The following is an entry in ClinVar:

NM_001195263.2(PDZD7):c.1829T>A (p.Leu610Gln)

Gene: PDZD7 (PDZ domain containing 7; minus strand). Cytogenetic location: 10q24.31.
Variant type: single nucleotide variant.
Coding change: c.1829T>A on transcript NM_001195263.2 (MANE Select); coding-DNA position 1829, T replaced by A.
Protein change: p.Leu610Gln; replaces leucine 610 with glutamine.
Molecular consequence: missense variant.
Genome position (GRCh38, 1-based): chr10:101,012,179, A>T on the plus strand (T>A on the coding strand, the complement: PDZD7 is on the minus strand). VCF-style: chr10-101012179-A-T. GRCh37 (hg19) VCF-style: chr10-102771936-A-T.
Other names: short protein forms L610Q.
Identifiers: ClinVar variation 3900586 (VCV003900586.1).

ClinVar aggregate classification (germline): Uncertain significance (1 of 4 stars; one submission).

Submission:

GeneDx
Classification: Uncertain significance. Last evaluated: 2024-11-22. Review status: criteria provided, single submitter. Criteria: GeneDx Variant Classification Process June 2021. Collection method: clinical testing. Allele origin: germline. Affected: yes.
Comment: Not observed at significant frequency in large population cohorts (gnomAD); In silico analysis supports that this missense variant has a deleterious effect on protein structure/function; Has not been previously published as pathogenic or benign to our knowledge